The following is an entry in ClinVar:

NM_001048166.1(STIL):c.724C>T (p.Arg242Cys)

Gene: STIL (STIL centriolar assembly protein; minus strand). Cytogenetic location: 1p33.
Variant type: single nucleotide variant.
Coding change: c.724C>T on transcript NM_001048166.1 (MANE Select); coding-DNA position 724, C replaced by T.
Protein change: p.Arg242Cys; replaces arginine 242 with cysteine.
Molecular consequence: missense variant.
Genome position (GRCh38, 1-based): chr1:47,295,826, G>A on the plus strand (C>T on the coding strand, the complement: STIL is on the minus strand). VCF-style: chr1-47295826-G-A. GRCh37 (hg19) VCF-style: chr1-47761498-G-A.
Other names: c.724C>T, p.Arg242Cys (NM_001282936.1, NM_001282937.1, NM_003035.2); c.583C>T, p.Arg195Cys (NM_001282938.1, NM_001282939.1, NM_001377417.1); short protein forms R242C, R195C.
Identifiers: ClinVar variation 2183746 (VCV002183746.4), dbSNP rs147744459, ClinGen allele CA842537.

ClinVar aggregate classification (germline): Uncertain significance (1 of 4 stars; one submission).

Allele frequency attached by ClinVar (database versions not stated): ExAC 0.00001; TOPMed 0.00001; gnomAD exomes 0.00002; gnomAD 0.00003; ESP Exome Variant Server 0.00008.
gnomAD v4.1: 38 of 1,612,354 alleles (0.0024%); highest among the groups gnomAD compares: Non-Finnish European, 0.0031%; no homozygotes.

Submission:

Labcorp Genetics (formerly Invitae), Labcorp
Classification: Uncertain significance. Last evaluated: 2023-10-03. Review status: criteria provided, single submitter. Criteria: Invitae Variant Classification Sherloc (09022015). Collection method: clinical testing. Allele origin: germline.
Comment: This sequence change replaces arginine, which is basic and polar, with cysteine, which is neutral and slightly polar, at codon 242 of the STIL protein (p.Arg242Cys). This variant is present in population databases (rs147744459, gnomAD 0.003%). This variant has not been reported in the literature in individuals affected with STIL-related conditions. ClinVar contains an entry for this variant (Variation ID: 2183746). Advanced modeling of protein sequence and biophysical properties (such as structural, functional, and spatial information, amino acid conservation, physicochemical variation, residue mobility, and thermodynamic stability) performed at Invitae indicates that this missense variant is expected to disrupt STIL protein function. In summary, the available evidence is currently insufficient to determine the role of this variant in disease. Therefore, it has been classified as a Variant of Uncertain Significance.